The following is an entry in ClinVar:

ClinVar aggregate classification (germline): Uncertain significance. Review status: criteria provided, multiple submitters, no conflicts (2 of 4 stars). 2 submissions from 2 submitters: Uncertain significance (2). Last evaluated 2025-12-21.

Conditions:
Hereditary cancer-predisposing syndrome. Also called: Tumor predisposition; Neoplastic Syndromes, Hereditary; Hereditary Cancer Syndrome; Hereditary neoplastic syndrome. Identifiers: Orphanet 140162, MedGen C0027672, MeSH D009386, MONDO:0015356.
Ataxia-telangiectasia-like disorder (ATLD). Identifiers: MedGen C1858391, MONDO:0011457.

Allele frequency attached by ClinVar (database versions not stated): TOPMed below 0.00001.

Submissions (2):

Ambry Genetics
Classification: Uncertain significance for Hereditary cancer-predisposing syndrome. Last evaluated: 2025-12-21. Review status: criteria provided, single submitter. Criteria: Ambry Variant Classification Scheme 2023. Collection method: clinical testing. Allele origin: germline.
Comment: The p.P358L variant (also known as c.1073C>T), located in coding exon 9 of the MRE11A gene, results from a C to T substitution at nucleotide position 1073. The proline at codon 358 is replaced by leucine, an amino acid with similar properties. This amino acid position is highly conserved in available vertebrate species. In addition, this alteration is predicted to be deleterious by in silico analysis. Since supporting evidence is limited at this time, the clinical significance of this alteration remains unclear.

Labcorp Genetics (formerly Invitae), Labcorp
Classification: Uncertain significance for Ataxia-telangiectasia-like disorder. Last evaluated: 2024-02-03. Review status: criteria provided, single submitter. Criteria: Invitae Variant Classification Sherloc (09022015). Collection method: clinical testing. Allele origin: germline.
Comment: This sequence change replaces proline, which is neutral and non-polar, with leucine, which is neutral and non-polar, at codon 358 of the MRE11 protein (p.Pro358Leu). This variant is not present in population databases (gnomAD no frequency). This variant has not been reported in the literature in individuals affected with MRE11-related conditions. ClinVar contains an entry for this variant (Variation ID: 822121). An algorithm developed to predict the effect of missense changes on protein structure and function (PolyPhen-2) suggests that this variant is likely to be disruptive. In summary, the available evidence is currently insufficient to determine the role of this variant in disease. Therefore, it has been classified as a Variant of Uncertain Significance.

NM_005591.4(MRE11):c.1073C>T (p.Pro358Leu)

Gene: MRE11 (MRE11 double strand break repair nuclease; minus strand). Cytogenetic location: 11q21.
Variant type: single nucleotide variant.
Coding change: c.1073C>T on transcript NM_005591.4 (MANE Select); coding-DNA position 1073, C replaced by T.
Protein change: p.Pro358Leu; replaces proline 358 with leucine.
Molecular consequence: missense variant.
Genome position (GRCh38, 1-based): chr11:94,467,838, G>A on the plus strand (C>T on the coding strand, the complement: MRE11 is on the minus strand). VCF-style: chr11-94467838-G-A. GRCh37 (hg19) VCF-style: chr11-94201004-G-A.
Other names: c.1073C>T, p.Pro358Leu (NM_001330347.2, NM_005590.4); short protein forms P358L.
Identifiers: ClinVar variation 822121 (VCV000822121.7), dbSNP rs1430351329, ClinGen allele CA382373716.